The following is an entry in ClinVar:

ClinVar aggregate classification (germline): Pathogenic/Likely pathogenic. Review status: criteria provided, multiple submitters, no conflicts (2 of 4 stars). 3 submissions from 3 submitters: Pathogenic (2); Likely pathogenic (1). Last evaluated 2026-05-29.

Conditions:
Retinoblastoma (RB1). Also called: RETINOBLASTOMA, SOMATIC. Identifiers: Orphanet 790, MedGen C0035335, MeSH D012175, MONDO:0008380, OMIM 180200, HP:0009919. Disease mechanism: loss of function. Inheritance: Both sporadic and heritable forms are tested..

Submissions (3):

Diller/Parad Lab, Dana-Farber/Harvard Cancer Center
Classification: Likely pathogenic for Retinoblastoma. Last evaluated: 2026-05-29. Review status: criteria provided, single submitter. Criteria: ACMG Guidelines, 2015. Collection method: research. Allele origin: germline. Affected: yes.
Comment: It has been classified as Likely Pathogenic using Richards et al (PMID:25741868) based on the following evidence codes: PM2, PVS1.

GeneDx
Classification: Pathogenic. Last evaluated: 2025-03-12. Review status: criteria provided, single submitter. Criteria: GeneDx Variant Classification Process June 2021. Collection method: clinical testing. Allele origin: germline. Affected: yes.
Comment: Frameshift variant predicted to result in protein truncation or nonsense mediated decay in a gene for which loss of function is a known mechanism of disease; Not observed at significant frequency in large population cohorts (gnomAD); This variant is associated with the following publications: (PMID: 24688104)

Labcorp Genetics (formerly Invitae), Labcorp
Classification: Pathogenic for Retinoblastoma. Last evaluated: 2019-04-09. Review status: criteria provided, single submitter. Criteria: Invitae Variant Classification Sherloc (09022015). Collection method: clinical testing. Allele origin: germline.
Comment: This sequence change creates a premature translational stop signal (p.Ser485Tyrfs*9) in the RB1 gene. It is expected to result in an absent or disrupted protein product. This variant is not present in population databases (ExAC no frequency). This variant has been observed in an individual affected with retinoblastoma (PMID: 24688104). Loss-of-function variants in RB1 are known to be pathogenic (PMID: 17096365). For these reasons, this variant has been classified as Pathogenic.

Literature cited by the submitters: PubMed 24688104 (cited by Labcorp Genetics (formerly Invitae), Labcorp).

NM_000321.3(RB1):c.1454_1457del (p.Ser485fs)

Gene: RB1 (RB transcriptional corepressor 1; plus strand). Cytogenetic location: 13q14.2.
Variant type: Deletion.
Coding change: c.1454_1457del on transcript NM_000321.3 (MANE Select); coding-DNA positions 1454 to 1457, 4 bases deleted (CTTT; older notation c.1454_1457delCTTT).
Protein change: p.Ser485fs; shifts the reading frame from serine 485.
Molecular consequence: frameshift variant.
Genome position (GRCh38, 1-based): chr13:48,380,197-48,380,200, CTTT deleted; deleting any 4 consecutive bases within chr13:48,380,196-48,380,200 gives the same sequence; the c. name uses the placement nearest the transcript's 3' end. VCF-style (leftmost placement, unchanged base first): chr13-48380195-GTCTT-G. GRCh37 (hg19) VCF-style: chr13-48954331-GTCTT-G.
Other names: short protein forms S485fs.
Identifiers: ClinVar variation 847352 (VCV000847352.3), dbSNP rs1948522929, ClinGen allele CA916081693.